The following is an entry in ClinVar:

ClinVar aggregate classification (germline): Uncertain significance (1 of 4 stars; one submission).

Conditions:
Inborn genetic diseases. Identifiers: MedGen C0950123, MeSH D030342.

gnomAD v4.1: 1 of 1,613,944 alleles (0.000062%); highest among the groups gnomAD compares: Admixed American, 0.0017%; no homozygotes.

Submission:

Ambry Genetics
Classification: Uncertain significance for Inborn genetic diseases. Last evaluated: 2024-12-20. Review status: criteria provided, single submitter. Criteria: Ambry Variant Classification Scheme 2023. Collection method: clinical testing. Allele origin: germline.
Comment: The p.A761V variant (also known as c.2282C>T), located in coding exon 1 of the SAMD9 gene, results from a C to T substitution at nucleotide position 2282. The alanine at codon 761 is replaced by valine, an amino acid with similar properties. This amino acid position is conserved. In addition, the in silico prediction for this alteration is inconclusive. Based on the available evidence, the clinical significance of this variant remains unclear.

NM_017654.4(SAMD9):c.2282C>T (p.Ala761Val)

Gene: SAMD9 (sterile alpha motif domain containing 9; minus strand). Cytogenetic location: 7q21.2.
Variant type: single nucleotide variant.
Coding change: c.2282C>T on transcript NM_017654.4 (MANE Select); coding-DNA position 2282, C replaced by T.
Protein change: p.Ala761Val; replaces alanine 761 with valine.
Molecular consequence: missense variant.
Genome position (GRCh38, 1-based): chr7:93,103,816, G>A on the plus strand (C>T on the coding strand, the complement: SAMD9 is on the minus strand). VCF-style: chr7-93103816-G-A. GRCh37 (hg19) VCF-style: chr7-92733129-G-A.
Other names: c.2282C>T, p.Ala761Val (NM_001193307.2); short protein forms A761V.
Identifiers: ClinVar variation 3791924 (VCV003791924.1).